The following is an entry in ClinVar:

NM_000404.4(GLB1):c.1426C>G (p.Leu476Val)

Gene: GLB1 (galactosidase beta 1; minus strand). Cytogenetic location: 3p22.3.
Variant type: single nucleotide variant.
Coding change: c.1426C>G on transcript NM_000404.4 (MANE Select); coding-DNA position 1426, C replaced by G.
Protein change: p.Leu476Val; replaces leucine 476 with valine.
Molecular consequence: missense variant.
Genome position (GRCh38, 1-based): chr3:33,016,762, G>C on the plus strand (C>G on the coding strand, the complement: GLB1 is on the minus strand). VCF-style: chr3-33016762-G-C. GRCh37 (hg19) VCF-style: chr3-33058254-G-C.
Other names: c.1336C>G, p.Leu446Val (NM_001079811.3); c.1033C>G, p.Leu345Val (NM_001135602.3); c.1570C>G, p.Leu524Val (NM_001317040.2); c.1426C>G, p.Leu476Val (NM_001393580.1); short protein forms L345V, L476V, L446V, L524V.
Identifiers: ClinVar variation 1383281 (VCV001383281.5), dbSNP rs113534264, ClinGen allele CA72648610.

ClinVar aggregate classification (germline): Uncertain significance (1 of 4 stars; one submission).

Conditions:
Mucopolysaccharidosis, MPS-IV-B (MPS4B). Also called: MORQUIO SYNDROME B; Mucopolysaccharidosis Type IVB (Morquio B Disease); Mucopolysaccharidosis type 4B; Mucopolysaccharidosis type IVB (Morquio); MPS IVB; Mucopolysaccharidosis type IV B. Identifiers: Orphanet 309310, Orphanet 582, MedGen C0086652, MONDO:0009660, OMIM 253010.
GM1 gangliosidosis. Identifiers: Orphanet 354, MedGen C0085131, MONDO:0018149.

gnomAD v4.1: 3 of 1,614,170 alleles (0.00019%); highest among the groups gnomAD compares: African/African-American, 0.0027%; no homozygotes.

Submission:

Labcorp Genetics (formerly Invitae), Labcorp
Classification: Uncertain significance for Mucopolysaccharidosis, MPS-IV-B; GM1 gangliosidosis. Last evaluated: 2023-04-24. Review status: criteria provided, single submitter. Criteria: Invitae Variant Classification Sherloc (09022015). Collection method: clinical testing. Allele origin: germline.
Comment: In summary, the available evidence is currently insufficient to determine the role of this variant in disease. Therefore, it has been classified as a Variant of Uncertain Significance. This sequence change replaces leucine, which is neutral and non-polar, with valine, which is neutral and non-polar, at codon 476 of the GLB1 protein (p.Leu476Val). This variant is not present in population databases (gnomAD no frequency). This variant has not been reported in the literature in individuals affected with GLB1-related conditions. ClinVar contains an entry for this variant (Variation ID: 1383281). Advanced modeling of protein sequence and biophysical properties (such as structural, functional, and spatial information, amino acid conservation, physicochemical variation, residue mobility, and thermodynamic stability) performed at Invitae indicates that this missense variant is expected to disrupt GLB1 protein function.